The following is an entry in ClinVar:

NM_001136191.3(KANK2):c.1334G>A (p.Gly445Asp)

Gene: KANK2 (KN motif and ankyrin repeat domains 2; minus strand). Cytogenetic location: 19p13.2.
Variant type: single nucleotide variant.
Coding change: c.1334G>A on transcript NM_001136191.3 (MANE Select); coding-DNA position 1334, G replaced by A.
Protein change: p.Gly445Asp; replaces glycine 445 with aspartic acid.
Molecular consequence: missense variant.
Genome position (GRCh38, 1-based): chr19:11,178,636, C>T on the plus strand (G>A on the coding strand, the complement: KANK2 is on the minus strand). VCF-style: chr19-11178636-C-T. GRCh37 (hg19) VCF-style: chr19-11289312-C-T.
Other names: c.1334G>A, p.Gly445Asp (NM_001329451.2, NM_001379548.1, NM_001379549.1 and 15 more transcripts); c.1334G>A (NM_015493.6); short protein forms G445D.
Identifiers: ClinVar variation 1385474 (VCV001385474.7), dbSNP rs758641105, ClinGen allele CA9205724.

ClinVar aggregate classification (germline): Uncertain significance. Review status: criteria provided, multiple submitters, no conflicts (2 of 4 stars). 2 submissions from 2 submitters: Uncertain significance (2). Last evaluated 2025-11-25.

Allele frequency attached by ClinVar (database versions not stated): gnomAD exomes 0.00007 and 0.00010; gnomAD 0.00009 and 0.00010; ExAC 0.00010; TOPMed 0.00011.
gnomAD v4.1: 117 of 1,589,596 alleles (0.0074%); highest among the groups gnomAD compares: Admixed American, 0.03%; 1 homozygote.

Submissions (2):

Labcorp Genetics (formerly Invitae), Labcorp
Classification: Uncertain significance. Last evaluated: 2025-11-25. Review status: criteria provided, single submitter. Criteria: Invitae Variant Classification Sherloc (09022015). Collection method: clinical testing. Allele origin: germline.
Comment: This sequence change replaces glycine, which is neutral and non-polar, with aspartic acid, which is acidic and polar, at codon 445 of the KANK2 protein (p.Gly445Asp). This variant is present in population databases (rs758641105, gnomAD 0.02%). This variant has not been reported in the literature in individuals affected with KANK2-related conditions. ClinVar contains an entry for this variant (Variation ID: 1385474). An algorithm developed to predict the effect of missense changes on protein structure and function outputs the following: PolyPhen-2: "Benign". The aspartic acid amino acid residue is found in multiple mammalian species, which suggests that this missense change does not adversely affect protein function. In summary, the available evidence is currently insufficient to determine the role of this variant in disease. Therefore, it has been classified as a Variant of Uncertain Significance.

Ambry Genetics
Classification: Uncertain significance. Last evaluated: 2023-11-21. Review status: criteria provided, single submitter. Criteria: Ambry Variant Classification Scheme 2023. Collection method: clinical testing. Allele origin: germline.